The following is an entry in ClinVar:

NM_001197104.2(KMT2A):c.10870C>T (p.Gln3624Ter)

Gene: KMT2A (lysine methyltransferase 2A; plus strand). Cytogenetic location: 11q23.3.
Variant type: single nucleotide variant.
Coding change: c.10870C>T on transcript NM_001197104.2 (MANE Select); coding-DNA position 10870, C replaced by T.
Protein change: p.Gln3624Ter; replaces glutamine 3624 with a stop codon.
Molecular consequence: nonsense.
Genome position (GRCh38, 1-based): chr11:118,509,170, C>T. VCF-style: chr11-118509170-C-T. GRCh37 (hg19) VCF-style: chr11-118379885-C-T.
Other names: c.10960C>T, p.Gln3654Ter (NM_001412597.1); c.10861C>T, p.Gln3621Ter (NM_005933.4); short protein forms Q3621*, Q3624*, Q3654*.
Identifiers: ClinVar variation 3254803 (VCV003254803.1), dbSNP rs1950640800.

ClinVar aggregate classification (germline): Pathogenic (1 of 4 stars; one submission).

Conditions:
Wiedemann-Steiner syndrome (WDSTS). Also called: Growth deficiency and mental retardation with facial dysmorphism. Identifiers: Orphanet 319182, MedGen C1854630, MONDO:0011518, OMIM 605130.

Submission:

Victorian Clinical Genetics Services, Murdoch Childrens Research Institute
Classification: Pathogenic for Wiedemann-Steiner syndrome. Last evaluated: 2023-07-17. Review status: criteria provided, single submitter. Criteria: ACMG Guidelines, 2015. Collection method: clinical testing. Allele origin: germline. Inheritance: Autosomal dominant inheritance. Affected: yes.
Comment: Based on the classification scheme VCGS_Germline_v1.3.4, this variant is classified as Pathogenic. Following criteria are met: 0102 - Loss of function is a known mechanism of disease in this gene and is associated with Wiedemann-Steiner syndrome (MIM#605130). (I) 0107 - This gene is associated with autosomal dominant disease. (I) 0201 - Variant is predicted to cause nonsense-mediated decay (NMD) and loss of protein (premature termination codon is located at least 54 nucleotides upstream of the final exon-exon junction). (SP) 0251 - This variant is heterozygous. (I) 0301 - Variant is absent from gnomAD (both v2 and v3). (SP) 0701 - Other NMD-predicted variants comparable to the one identified in this case have very strong previous evidence for pathogenicity (DECIPHER). (SP) 0807 - This variant has no previous evidence of pathogenicity. (I) 0905 - No published segregation evidence has been identified for this variant. (I) 1007 - No published functional evidence has been identified for this variant. (SP) Legend: (SP) - Supporting pathogenic, (I) - Information, (SB) - Supporting benign